The following is an entry in ClinVar:

ClinVar aggregate classification (germline): Uncertain significance (1 of 4 stars; one submission).

Conditions:
Spastic paraplegia. Identifiers: MedGen C0037772, HP:0001258.

Submission:

Labcorp Genetics (formerly Invitae), Labcorp
Classification: Uncertain significance for Spastic paraplegia. Last evaluated: 2023-12-18. Review status: criteria provided, single submitter. Criteria: Invitae Variant Classification Sherloc (09022015). Collection method: clinical testing. Allele origin: germline.
Comment: This sequence change falls in intron 7 of the L1CAM gene. It does not directly change the encoded amino acid sequence of the L1CAM protein. It affects a nucleotide within the consensus splice site. This variant is not present in population databases (gnomAD no frequency). This variant has not been reported in the literature in individuals affected with L1CAM-related conditions. Variants that disrupt the consensus splice site are a relatively common cause of aberrant splicing (PMID: 17576681, 9536098). In summary, the available evidence is currently insufficient to determine the role of this variant in disease. Therefore, it has been classified as a Variant of Uncertain Significance.

Literature cited by the submitters: PubMed 17576681; PubMed 9536098.

NM_001278116.2(L1CAM):c.806+6_806+54delinsAGGAGAGCGCTCAGGAAGCAGAAAGCTCAGGGAGGATGGAATGCGAAGGGAAAACCCCAGGGAAAAGGCGACACAGATCAAGA

Gene: L1CAM (L1 cell adhesion molecule; minus strand). Cytogenetic location: Xq28.
Variant type: Indel.
Coding change: c.806+6_806+54delinsAGGAGAGCGCTCAGGAAGCAGAAAGCTCAGGGAGGATGGAATGCGAAGGGAAAACCCCAGGGAAAAGGCGACACAGATCAAGA on transcript NM_001278116.2 (MANE Select); bases 6 to 54 of the intron after coding-DNA position 806, the reference bases replaced by an inserted sequence.
Molecular consequence: intron variant.
Genome position (GRCh38, 1-based): chrX:153,870,334-153,870,382, 49 bases replaced. GRCh37 (hg19): chrX:153,135,789-153,135,837.
Other names: c.791+6_791+54delinsAGGAGAGCGCTCAGGAAGCAGAAAGCTCAGGGAGGATGGAATGCGAAGGGAAAACCCCAGGGAAAAGGCGACACAGATCAAGA (NM_001143963.2); c.806+6_806+54delinsAGGAGAGCGCTCAGGAAGCAGAAAGCTCAGGGAGGATGGAATGCGAAGGGAAAACCCCAGGGAAAAGGCGACACAGATCAAGA (NM_024003.3, NM_000425.5).
Identifiers: ClinVar variation 2703967 (VCV002703967.3), dbSNP rs2521019147, ClinGen allele CA2697544837.